The following is an entry in ClinVar:

NM_203447.4(DOCK8):c.3423G>C (p.Gln1141His)

Gene: DOCK8 (dedicator of cytokinesis 8; plus strand). Cytogenetic location: 9p24.3.
Variant type: single nucleotide variant.
Coding change: c.3423G>C on transcript NM_203447.4 (MANE Select); coding-DNA position 3423, G replaced by C.
Protein change: p.Gln1141His; replaces glutamine 1141 with histidine.
Molecular consequence: missense variant.
Genome position (GRCh38, 1-based): chr9:406,962, G>C. VCF-style: chr9-406962-G-C. GRCh37 (hg19) VCF-style: chr9-406962-G-C.
Other names: c.3123G>C, p.Gln1041His (NM_001190458.2); c.3219G>C, p.Gln1073His (NM_001193536.2); short protein forms Q1141H, Q1041H, Q1073H.
Identifiers: ClinVar variation 424588 (VCV000424588.4), dbSNP rs775919190, ClinGen allele CA4958687.

ClinVar aggregate classification (germline): Uncertain significance. Review status: criteria provided, multiple submitters, no conflicts (2 of 4 stars). 3 submissions from 3 submitters: Uncertain significance (3). Last evaluated 2025-08-23.

Conditions:
Combined immunodeficiency due to DOCK8 deficiency (HIES2). Also called: HYPER-IgE SYNDROME 2, AUTOSOMAL RECESSIVE, WITH RECURRENT INFECTIONS; HYPER-IgE RECURRENT INFECTION SYNDROME 2, AUTOSOMAL RECESSIVE; DOCK8 Deficiency; Hyper-IgE recurrent infection syndrome, autosomal recessive; HIES autosomal recessive. Identifiers: Orphanet 217390, MedGen C4722305, MONDO:0009478, OMIM 243700.
Inborn genetic diseases. Identifiers: MedGen C0950123, MeSH D030342.

Allele frequency attached by ClinVar (database versions not stated): ExAC 0.00001.
gnomAD v4.1: 2 of 1,614,138 alleles (0.00012%); highest among the groups gnomAD compares: Non-Finnish European, 0.000085%; no homozygotes.

Submissions (3):

Ambry Genetics
Classification: Uncertain significance for Inborn genetic diseases. Last evaluated: 2025-08-23. Review status: criteria provided, single submitter. Criteria: Ambry Variant Classification Scheme 2023. Collection method: clinical testing. Allele origin: germline.

Laboratorio de Genetica e Diagnostico Molecular, Hospital Israelita Albert Einstein
Classification: Uncertain significance for Combined immunodeficiency due to DOCK8 deficiency. Last evaluated: 2023-07-21. Review status: criteria provided, single submitter. Criteria: ACMG Guidelines, 2015. Collection method: clinical testing. Allele origin: germline. Affected: yes.
Comment: ACMG classification criteria: PM2 moderate, BP4 supporting

GeneDx
Classification: Uncertain significance. Last evaluated: 2017-03-31. Review status: criteria provided, single submitter. Criteria: GeneDx Variant Classification (06012015). Collection method: clinical testing. Allele origin: germline. Affected: yes.
Comment: The Q1141H variant has not been published as a pathogenic variant, nor has it been reported as a benign variant to our knowledge. The variant is not observed at a significant frequency in large population cohorts (Lek et al., 2016; 1000 Genomes Consortium et al., 2015; Exome Variant Server). Q1141H is a semi-conservative amino acid substitution, which may impact secondary protein structure as these residues differ in some properties. However, this substitution occurs at a position that is not conserved, and in silico analysis is inconsistent in its predictions as to whether or not the variant is damaging to the protein structure/function. In summary, based on the currently available information, it is unclear whether this variant is a pathogenic variant or a rare benign variant.